The following is an entry in ClinVar:

ClinVar aggregate classification (germline): Uncertain significance (1 of 4 stars; one submission).

Allele frequency attached by ClinVar (database versions not stated): TOPMed below 0.00001; gnomAD 0.00001; gnomAD exomes 0.00001.
gnomAD v4.1: 3 of 1,613,882 alleles (0.00019%); highest among the groups gnomAD compares: Admixed American, 0.005%; no homozygotes.

Submission:

Labcorp Genetics (formerly Invitae), Labcorp
Classification: Uncertain significance. Last evaluated: 2024-03-04. Review status: criteria provided, single submitter. Criteria: Invitae Variant Classification Sherloc (09022015). Collection method: clinical testing. Allele origin: germline.
Comment: This sequence change falls in intron 8 of the EMC1 gene. It does not directly change the encoded amino acid sequence of the EMC1 protein. It affects a nucleotide within the consensus splice site. This variant is present in population databases (no rsID available, gnomAD 0.003%). This variant has not been reported in the literature in individuals affected with EMC1-related conditions. ClinVar contains an entry for this variant (Variation ID: 1001016). Variants that disrupt the consensus splice site are a relatively common cause of aberrant splicing (PMID: 17576681, 9536098). Algorithms developed to predict the effect of sequence changes on RNA splicing suggest that this variant is not likely to affect RNA splicing. In summary, the available evidence is currently insufficient to determine the role of this variant in disease. Therefore, it has been classified as a Variant of Uncertain Significance.

Literature cited by the submitters: PubMed 17576681; PubMed 9536098.

NM_015047.3(EMC1):c.955-3C>T

Genes: EMC1 (ER membrane protein complex subunit 1; minus strand), EMC1-AS1 (EMC1 antisense RNA 1; plus strand). Cytogenetic location: 1p36.13.
Variant type: single nucleotide variant.
Coding change: c.955-3C>T on transcript NM_015047.3 (MANE Select); 3 bases into the intron before coding-DNA position 955, C replaced by T.
Molecular consequence: intron variant.
Genome position (GRCh38, 1-based): chr1:19,239,305, G>A on the plus strand (C>T on the coding strand, the complement: EMC1 is on the minus strand). VCF-style: chr1-19239305-G-A. GRCh37 (hg19) VCF-style: chr1-19565799-G-A.
Other names: c.889-3C>T (NM_001271429.2); c.955-3C>T (NM_001271427.2, NM_001375821.1, NM_001271428.2 and 1 more transcripts).
Identifiers: ClinVar variation 1001016 (VCV001001016.6), dbSNP rs1319339332, ClinGen allele CA521516779.